The following is an entry in ClinVar:

NM_001365276.2(TNXB):c.9132C>T (p.Ala3044=)

Gene: TNXB (tenascin XB; minus strand). Cytogenetic location: 6p21.33.
Variant type: single nucleotide variant.
Coding change: c.9132C>T on transcript NM_001365276.2 (MANE Select); coding-DNA position 9132, C replaced by T.
Protein change: p.Ala3044=; no amino-acid change (alanine 3044 retained).
Molecular consequence: synonymous variant.
Genome position (GRCh38, 1-based): chr6:32,050,305, G>A on the plus strand (C>T on the coding strand, the complement: TNXB is on the minus strand). VCF-style: chr6-32050305-G-A. GRCh37 (hg19) VCF-style: chr6-32018082-G-A.
Other names: c.9126C>T, p.Ala3042= (NM_019105.8); c.9126C>T (NM_019105.6).
Identifiers: ClinVar variation 493429 (VCV000493429.45), dbSNP rs544342649, ClinGen allele CA3733622.

ClinVar aggregate classification (germline): Likely benign. Review status: criteria provided, multiple submitters, no conflicts (2 of 4 stars). 4 submissions from 4 submitters: Likely benign (4). Last evaluated 2025-11-06.

Conditions:
Cardiovascular phenotype. Identifiers: MedGen CN230736.

Allele frequency attached by ClinVar (database versions not stated): ExAC 0.00001; TOPMed 0.00002; 1000 Genomes Project 30x 0.00016; 1000 Genomes Project 0.00020.

Submissions (4):

Labcorp Genetics (formerly Invitae), Labcorp
Classification: Likely benign. Last evaluated: 2025-11-06. Review status: criteria provided, single submitter. Criteria: Invitae Variant Classification Sherloc (09022015). Collection method: clinical testing. Allele origin: germline.

Women's Health and Genetics/Laboratory Corporation of America, LabCorp
Classification: Likely benign. Last evaluated: 2025-09-23. Review status: criteria provided, single submitter. Criteria: LabCorp Variant Classification Summary - May 2015. Collection method: clinical testing. Allele origin: germline.

CeGaT Center for Human Genetics Tuebingen
Classification: Likely benign. Last evaluated: 2025-03-01. Review status: criteria provided, single submitter. Criteria: CeGaT Center For Human Genetics Tuebingen Variant Classification Criteria Version 2. Collection method: clinical testing. Allele origin: germline. Affected: yes. Observed: 3 variant alleles.
Comment: TNXB: BP4, BP7

Ambry Genetics
Classification: Likely benign for Cardiovascular phenotype. Last evaluated: 2023-12-04. Review status: criteria provided, single submitter. Criteria: Ambry Variant Classification Scheme 2023. Collection method: clinical testing. Allele origin: germline.